The following is an entry in ClinVar:

ClinVar aggregate classification (germline): Uncertain significance (1 of 4 stars; one submission).

Conditions:
Glycogen storage disease, type II (IOPD). Also called: Glycogen storage disease type 2; Acid maltase deficiency disease; Aglucosidase alfa; Deficiency of alpha-glucosidase; Deficiency of lysosomal alpha-glucosidase; Glucosidase acid-1,4-alpha deficiency. Identifiers: Orphanet 365, MedGen C0017921, MONDO:0009290, OMIM 232300.

Allele frequency attached by ClinVar (database versions not stated): gnomAD exomes below 0.00001.
gnomAD v4.1: 1 of 1,611,698 alleles (0.000062%); highest among the groups gnomAD compares: South Asian, 0.0011%; no homozygotes.

Submission:

Breda Genetics srl
Classification: Uncertain significance for Glycogen storage disease, type II. Last evaluated: 2022-07-15. Review status: criteria provided, single submitter. Criteria: ACMG Guidelines, 2015. Collection method: clinical testing. Allele origin: germline. Inheritance: Autosomal recessive inheritance. Affected: yes. Observed: 1 variant allele, 1 heterozygote.
Comment: Based on allele frequency, in-silico prediction scores and a certain overlap with the clinical phenotype, we interpreted this variant at least as of uncertain significance. The lack of one or more of the following features has discouraged further investigations: lack of a possible second hit in autosomal recessive conditions, presence of healthy controls in databases for autosomal dominant conditions, presence of unmatching cardinal clinical features in the patient or in the known gene-disease association, and/or variant type outside the known gene mutational spectrum.

NM_000152.5(GAA):c.2452C>T (p.Leu818Phe)

Gene: GAA (alpha glucosidase; plus strand). Cytogenetic location: 17q25.3.
Variant type: single nucleotide variant.
Coding change: c.2452C>T on transcript NM_000152.5 (MANE Select); coding-DNA position 2452, C replaced by T.
Protein change: p.Leu818Phe; replaces leucine 818 with phenylalanine.
Molecular consequence: missense variant.
Genome position (GRCh38, 1-based): chr17:80,117,720, C>T. VCF-style: chr17-80117720-C-T. GRCh37 (hg19) VCF-style: chr17-78091519-C-T.
Other names: c.2452C>T, p.Leu818Phe (NM_001079803.3, NM_001079804.3, NM_001406741.1 and 1 more transcripts); short protein forms L818F.
Identifiers: ClinVar variation 1711863 (VCV001711863.1), dbSNP rs2039388491, ClinGen allele CA401325295.